The following is an entry in ClinVar:

ClinVar aggregate classification (germline): Conflicting classifications of pathogenicity. Review status: criteria provided, conflicting classifications (1 of 4 stars). 9 submissions from 9 submitters: Uncertain significance (6); Benign (1). 2 of the submissions do not count toward it. Last evaluated 2026-05-06.

Conditions:
Hereditary cancer-predisposing syndrome. Also called: Neoplastic Syndromes, Hereditary; Hereditary neoplastic syndrome; Tumor predisposition; Hereditary Cancer Syndrome. Identifiers: Orphanet 140162, MedGen C0027672, MeSH D009386, MONDO:0015356.
Hereditary breast ovarian cancer syndrome. Also called: Hereditary breast and/or ovarian cancer syndrome; Hereditary breast and ovarian cancer; Hereditary breast and ovarian cancer syndrome (HBOC); Breast and ovarian cancer; BRCA1- and BRCA2-Associated Hereditary Breast and Ovarian Cancer; Hereditary breast and ovarian cancer syndrome. Identifiers: Orphanet 145, MedGen C0677776, MeSH D061325, MONDO:0003582. Disease mechanism: loss of function.
Breast-ovarian cancer, familial, susceptibility to, 2 (BROVCA2). Also called: BRCA2 Hereditary Breast and Ovarian Cancer. Identifiers: Orphanet 145, MedGen C2675520, MONDO:0012933, OMIM 612555. Disease mechanism: loss of function.

Allele frequency attached by ClinVar (database versions not stated): gnomAD 0.00001; gnomAD exomes below 0.00001; TOPMed 0.00001.
gnomAD v4.1: 4 of 1,609,118 alleles (0.00025%); highest among the groups gnomAD compares: African/African-American, 0.004%; no homozygotes.

Submissions (9):

Ambry Genetics
Classification: Benign for Hereditary cancer-predisposing syndrome. Last evaluated: 2026-05-06. Review status: criteria provided, single submitter. Criteria: Ambry Variant Classification Scheme 2023. Collection method: clinical testing. Allele origin: germline.

Labcorp Genetics (formerly Invitae), Labcorp
Classification: Uncertain significance for Hereditary breast ovarian cancer syndrome. Last evaluated: 2025-11-23. Review status: criteria provided, single submitter. Criteria: Invitae Variant Classification Sherloc (09022015). Collection method: clinical testing. Allele origin: germline.
Comment: This sequence change replaces threonine, which is neutral and polar, with alanine, which is neutral and non-polar, at codon 2331 of the BRCA2 protein (p.Thr2331Ala). This variant is not present in population databases (gnomAD no frequency). This missense change has been observed in individual(s) with BRCA2-related conditions (PMID: 10923033). ClinVar contains an entry for this variant (Variation ID: 52233). Invitae Evidence Modeling of protein sequence and biophysical properties (such as structural, functional, and spatial information, amino acid conservation, physicochemical variation, residue mobility, and thermodynamic stability) indicates that this missense variant is not expected to disrupt BRCA2 protein function with a negative predictive value of 95%. Experimental studies have shown that this missense change does not substantially affect BRCA2 function (PMID: 37713444). In summary, the available evidence is currently insufficient to determine the role of this variant in disease. Therefore, it has been classified as a Variant of Uncertain Significance.

Women's Health and Genetics/Laboratory Corporation of America, LabCorp
Classification: Uncertain significance. Last evaluated: 2024-11-12. Review status: criteria provided, single submitter. Criteria: LabCorp Variant Classification Summary - May 2015. Collection method: clinical testing. Allele origin: germline.
Comment: Variant summary: BRCA2 c.6991A>G (p.Thr2331Ala) results in a non-conservative amino acid change in the encoded protein sequence. Three of five in-silico tools predict a benign effect of the variant on protein function. The frequency data for this variant in gnomAD is considered unreliable, as metrics indicate poor data quality at this position. To our knowledge, c.6991A>G has not been reported in the literature in individuals affected with Hereditary Breast And Ovarian Cancer Syndrome. At least one publication reports experimental evidence evaluating an impact on protein function showing a functional effect of the variant in an mESC-based survival assay (e.g. Sahu_2023). The following publication has been ascertained in the context of this evaluation (PMID: 37713444). ClinVar contains an entry for this variant (Variation ID: 52233). Based on the evidence outlined above, the variant was classified as uncertain significance.

All of Us Research Program, National Institutes of Health
Classification: Uncertain significance for Breast-ovarian cancer, familial, susceptibility to, 2. Last evaluated: 2023-12-13. Review status: criteria provided, single submitter. Criteria: ACMG Guidelines, 2015. Collection method: clinical testing. Allele origin: germline. Inheritance: Autosomal dominant inheritance. Observed: 1 variant allele, 1 heterozygote.
Comment: This missense variant replaces threonine with alanine at codon 2331 of the BRCA2 protein. Computational prediction is inconclusive regarding the impact of this variant on protein structure and function (internally defined REVEL score threshold 0.5 < inconclusive < 0.7, PMID: 27666373). A saturation genome editing assay in mouse embryonic stem cells has shown that this variant does not impact cell viability or response to PARP inhibitors (PMID: 37713444). A multifactorial analysis has reported co-occurrence and family history likelihood ratios for pathogenicity of 1.1022 and 0.4124, respectively (PMID: 31131967). This variant has not been identified in the general population by the Genome Aggregation Database (gnomAD). The available evidence is insufficient to determine the role of this variant in disease conclusively. Therefore, this variant is classified as a Variant of Uncertain Significance.

This study involves interpretation of variants in research participants for the purpose of population health screening. Participant phenotype was not available at the time of variant classification. Additional details can be found in publication PMID: 35346344, PMCID: PMC8962531

Mendelics
Classification: Uncertain significance for Breast-ovarian cancer, familial, susceptibility to, 2. Last evaluated: 2019-05-28. Review status: criteria provided, single submitter. Criteria: Mendelics Assertion Criteria 2017. Collection method: clinical testing. Allele origin: unknown.

GeneDx
Classification: Uncertain significance. Last evaluated: 2018-11-26. Review status: criteria provided, single submitter. Criteria: GeneDx Variant Classification (06012015). Collection method: clinical testing. Allele origin: germline. Affected: yes.
Comment: This variant is denoted BRCA2 c.6991A>G at the cDNA level, p.Thr2331Ala (T2331A) at the protein level, and results in the change of a Threonine to an Alanine (ACC>GCC). Using alternate nomenclature, this variant would be defined as BRCA2 7219A>G. This variant has not, to our knowledge, been published in the literature as a pathogenic or benign germline variant. BRCA2 Thr2331Ala was not observed in large population cohorts (Lek 2016). This variant is not located in a known functional domain. In silico analysis, which includes protein predictors and evolutionary conservation, supports that this variant does not alter protein structure/function. Based on currently available evidence, it is unclear whether BRCA2 Thr2331Ala is a pathogenic or benign variant. We consider it to be a variant of uncertain significance.

Quest Diagnostics Nichols Institute San Juan Capistrano
Classification: Uncertain significance for Breast-ovarian cancer, familial, susceptibility to, 2. Last evaluated: 2016-03-25. Review status: criteria provided, single submitter. Criteria: Quest Diagnostics criteria. Collection method: clinical testing. Allele origin: germline. Inheritance: Autosomal dominant inheritance.

Counsyl
Classification: Uncertain significance for Breast-ovarian cancer, familial, susceptibility to, 2. Last evaluated: 2017-10-10. Review status: no assertion criteria provided. Collection method: clinical testing. Allele origin: unknown. Not counted in ClinVar's aggregate classification.

Breast Cancer Information Core (BIC) (BRCA2)
Classification: Uncertain significance for Breast-ovarian cancer, familial 2. Last evaluated: 2004-02-20. Review status: no assertion criteria provided. Collection method: clinical testing. Allele origin: germline. Affected: yes. Observed: 2 variant alleles. Not counted in ClinVar's aggregate classification.

Literature cited by the submitters: PubMed 31131967 (cited by Ambry Genetics and All of Us Research Program, National Institutes of Health); PubMed 37713444 (cited by 4 submitters); PubMed 10923033 (cited by Labcorp Genetics (formerly Invitae), Labcorp); PubMed 26295337 (cited by Quest Diagnostics Nichols Institute San Juan Capistrano).

NM_000059.4(BRCA2):c.6991A>G (p.Thr2331Ala)

Gene: BRCA2 (BRCA2 DNA repair associated; plus strand). Cytogenetic location: 13q13.1.
Variant type: single nucleotide variant.
Coding change: c.6991A>G on transcript NM_000059.4 (MANE Select); coding-DNA position 6991, A replaced by G.
Protein change: p.Thr2331Ala; replaces threonine 2331 with alanine.
Molecular consequence: missense variant.
Genome position (GRCh38, 1-based): chr13:32,346,880, A>G. VCF-style: chr13-32346880-A-G. GRCh37 (hg19) VCF-style: chr13-32921017-A-G.
Other names: short protein forms T2331A.
Identifiers: ClinVar variation 52233 (VCV000052233.24), dbSNP rs80358926, ClinGen allele CA024674.